The following is an entry in ClinVar:

NM_001378454.1(ALMS1):c.6590T>G (p.Leu2197Arg)

Gene: ALMS1 (ALMS1 centrosome and basal body associated protein; plus strand). Cytogenetic location: 2p13.1.
Variant type: single nucleotide variant.
Coding change: c.6590T>G on transcript NM_001378454.1 (MANE Select); coding-DNA position 6590, T replaced by G.
Protein change: p.Leu2197Arg; replaces leucine 2197 with arginine.
Molecular consequence: missense variant.
Genome position (GRCh38, 1-based): chr2:73,453,117, T>G. VCF-style: chr2-73453117-T-G. GRCh37 (hg19) VCF-style: chr2-73680244-T-G.
Other names: c.6593T>G, p.Leu2198Arg (NM_015120.4); short protein forms L2197R, L2198R.
Identifiers: ClinVar variation 1489628 (VCV001489628.6), dbSNP rs2103790750, ClinGen allele CA347288721.
Genomic context (GRCh38, chr2:73,453,117, plus strand): 5'-AAATTACCGGATTACAAACAGTTCCCTCTGGTACTTACTCACATGGTGAGAATCACAAGC[T>G]TGTTTCAGAACATGTCCAAAGGCTAATAGATAATTTGAATTCTTCTGACTCCAGTGTTAG-3'
Protein context (NP_001365383.1, residues 2187-2207): GTYSHGENHK[Leu2197Arg]VSEHVQRLID

ClinVar aggregate classification (germline): Uncertain significance (1 of 4 stars; one submission).

Conditions:
Alstrom syndrome (ALMS). Identifiers: Orphanet 64, MedGen C0268425, MONDO:0008763, OMIM 203800.

Submission:

Labcorp Genetics (formerly Invitae), Labcorp
Classification: Uncertain significance for Alstrom syndrome. Last evaluated: 2022-04-29. Review status: criteria provided, single submitter. Criteria: Invitae Variant Classification Sherloc (09022015). Collection method: clinical testing. Allele origin: germline.
Comment: This sequence change replaces leucine, which is neutral and non-polar, with arginine, which is basic and polar, at codon 2198 of the ALMS1 protein (p.Leu2198Arg). This variant is not present in population databases (gnomAD no frequency). This variant has not been reported in the literature in individuals affected with ALMS1-related conditions. In summary, the available evidence is currently insufficient to determine the role of this variant in disease. Therefore, it has been classified as a Variant of Uncertain Significance.